The following is an entry in ClinVar:

ClinVar aggregate classification (germline): Benign. Review status: criteria provided, multiple submitters, no conflicts (2 of 4 stars). 6 submissions from 6 submitters: Benign (6). Last evaluated 2026-02-03.

Conditions:
Congenital disorder of glycosylation type Ir (CDG1R). Also called: DDOST-congenital disorder of glycosylation. Identifiers: Orphanet 300536, MedGen C3281084, MONDO:0013789, OMIM 614507.

Allele frequency attached by ClinVar (database versions not stated): 1000 Genomes Project 0.35723; 1000 Genomes Project 30x 0.36196; gnomAD exomes 0.37626 and 0.39006; gnomAD 0.38293 and 0.38527; TOPMed 0.38402; ESP Exome Variant Server 0.38627; ExAC 0.38779.

Submissions (6):

Labcorp Genetics (formerly Invitae), Labcorp
Classification: Benign for Congenital disorder of glycosylation type Ir. Last evaluated: 2026-02-03. Review status: criteria provided, single submitter. Criteria: Invitae Variant Classification Sherloc (09022015). Collection method: clinical testing. Allele origin: germline.

Genome-Nilou Lab
Classification: Benign for Congenital disorder of glycosylation type Ir. Last evaluated: 2021-07-30. Review status: criteria provided, single submitter. Criteria: ACMG Guidelines, 2015. Collection method: clinical testing. Allele origin: germline. Affected: no.

Mayo Clinic Laboratories, Mayo Clinic
Classification: Benign. Last evaluated: 2018-09-25. Review status: criteria provided, single submitter. Criteria: ACMG Guidelines, 2015. Collection method: clinical testing. Allele origin: germline. Observed: 25 variant alleles.

GeneDx
Classification: Benign. Last evaluated: 2015-12-02. Review status: criteria provided, single submitter. Criteria: GeneDx Variant Classification (06012015). Collection method: clinical testing. Allele origin: germline. Affected: yes.
Comment: This variant is considered likely benign or benign based on one or more of the following criteria: it is a conservative change, it occurs at a poorly conserved position in the protein, it is predicted to be benign by multiple in silico algorithms, and/or has population frequency not consistent with disease.

Eurofins Ntd Llc (ga)
Classification: Benign. Last evaluated: 2013-10-08. Review status: criteria provided, single submitter. Criteria: EGL Classification Definitions 2015. Collection method: clinical testing. Allele origin: germline. Observed: 6 variant alleles, 5 heterozygotes, 1 homozygote.

Breakthrough Genomics
Classification: Benign. Review status: criteria provided, single submitter. Criteria: ACMG Guidelines, 2015. Collection method: not provided. Allele origin: germline. Inheritance: Autosomal recessive inheritance. Affected: yes.

NM_005216.5(DDOST):c.646-16C>T

Gene: DDOST (dolichyl-diphosphooligosaccharide--protein glycosyltransferase non-catalytic subunit; minus strand). Cytogenetic location: 1p36.12.
Variant type: single nucleotide variant.
Coding change: c.646-16C>T on transcript NM_005216.5 (MANE Select); 16 bases into the intron before coding-DNA position 646, C replaced by T.
Molecular consequence: intron variant.
Genome position (GRCh38, 1-based): chr1:20,654,387, G>A on the plus strand (C>T on the coding strand, the complement: DDOST is on the minus strand). VCF-style: chr1-20654387-G-A. GRCh37 (hg19) VCF-style: chr1-20980880-G-A.
Other names: p.?.
Identifiers: ClinVar variation 95261 (VCV000095261.17), dbSNP rs607254, ClinGen allele CA148362.